The following is an entry in ClinVar:

ClinVar aggregate classification (germline): Likely benign (0 of 4 stars; one submission).

Conditions:
MYOCD-related condition.

gnomAD v4.1: 217 of 1,614,162 alleles (0.013%); highest among the groups gnomAD compares: African/African-American, 0.25%; no homozygotes.

Submission:

PreventionGenetics, part of Exact Sciences
Classification: Likely benign for MYOCD-related condition. Last evaluated: 2024-08-28. Review status: no assertion criteria provided. Collection method: clinical testing. Allele origin: germline.
Comment: This variant is classified as likely benign based on ACMG/AMP sequence variant interpretation guidelines (Richards et al. 2015 PMID: 25741868, with internal and published modifications).

NM_001146312.3(MYOCD):c.1031C>T (p.Thr344Ile)

Gene: MYOCD (myocardin; plus strand). Cytogenetic location: 17p12.
Variant type: single nucleotide variant.
Coding change: c.1031C>T on transcript NM_001146312.3 (MANE Select); coding-DNA position 1031, C replaced by T.
Protein change: p.Thr344Ile; replaces threonine 344 with isoleucine.
Molecular consequence: missense variant.
Genome position (GRCh38, 1-based): chr17:12,745,978, C>T. VCF-style: chr17-12745978-C-T. GRCh37 (hg19) VCF-style: chr17-12649295-C-T.
Other names: c.794C>T, p.Thr265Ile (NM_001378306.1); c.1031C>T, p.Thr344Ile (NM_153604.4); short protein forms T265I, T344I.
Identifiers: ClinVar variation 3348082 (VCV003348082.1).